The following is an entry in ClinVar:

ClinVar aggregate classification (germline): Likely benign (1 of 4 stars; one submission).

gnomAD v4.1: 5 of 1,614,084 alleles (0.00031%); highest among the groups gnomAD compares: Middle Eastern, 0.016%; no homozygotes.

Submission:

CeGaT Center for Human Genetics Tuebingen
Classification: Likely benign. Last evaluated: 2023-03-01. Review status: criteria provided, single submitter. Criteria: CeGaT Center For Human Genetics Tuebingen Variant Classification Criteria Version 2. Collection method: clinical testing. Allele origin: germline. Affected: yes. Observed: 1 variant allele.
Comment: SARS2: BP4, BP7

NM_017827.4(SARS2):c.858C>T (p.Ile286=)

Gene: SARS2 (seryl-tRNA synthetase 2, mitochondrial; minus strand). Cytogenetic location: 19q13.2.
Variant type: single nucleotide variant.
Coding change: c.858C>T on transcript NM_017827.4 (MANE Select); coding-DNA position 858, C replaced by T.
Protein change: p.Ile286=; no amino-acid change (isoleucine 286 retained).
Molecular consequence: synonymous variant.
Genome position (GRCh38, 1-based): chr19:38,918,480, G>A on the plus strand (C>T on the coding strand, the complement: SARS2 is on the minus strand). VCF-style: chr19-38918480-G-A. GRCh37 (hg19) VCF-style: chr19-39409120-G-A.
Other names: c.864C>T, p.Ile288= (NM_001145901.2).
Identifiers: ClinVar variation 2649826 (VCV002649826.24), dbSNP rs144697966, ClinGen allele CA9422990.